The following is an entry in ClinVar:

ClinVar aggregate classification (germline): Likely benign (1 of 4 stars; one submission).

Submission:

CeGaT Center for Human Genetics Tuebingen
Classification: Likely benign. Last evaluated: 2024-11-01. Review status: criteria provided, single submitter. Criteria: CeGaT Center For Human Genetics Tuebingen Variant Classification Criteria Version 2. Collection method: clinical testing. Allele origin: germline. Affected: yes. Observed: 1 variant allele.
Comment: CD1C: PM2:Supporting, BP4, BP7

NM_001765.3(CD1C):c.567C>T (p.Leu189=)

Genes: CD1B (CD1b molecule; minus strand), CD1C (CD1c molecule; plus strand). Cytogenetic location: 1q23.1.
Variant type: single nucleotide variant.
Coding change: c.567C>T on transcript NM_001765.3 (MANE Select); coding-DNA position 567, C replaced by T.
Protein change: p.Leu189=; no amino-acid change (leucine 189 retained).
Molecular consequence: synonymous variant.
Genome position (GRCh38, 1-based): chr1:158,292,322, C>T. VCF-style: chr1-158292322-C-T. GRCh37 (hg19) VCF-style: chr1-158262112-C-T.
Identifiers: ClinVar variation 3390021 (VCV003390021.14).
Genomic context (GRCh38, chr1:158,292,322, plus strand): 5'-GTATGAAGGCGTCACAGAAACAGTGTATAATCTCATAAGAAGCACTTGCCCCCGATTTCT[C>T]TTGGGTCTCCTGGATGCAGGGAAGATGTATGTACACAGGCAAGGTCAGTAGTTTCAGCCC-3'
Protein context (NP_001756.2, residues 179-199): NLIRSTCPRF[Leu189=]LGLLDAGKMY